The following is an entry in ClinVar:

NM_170606.3(KMT2C):c.13779T>C (p.Asn4593=)

Gene: KMT2C (lysine methyltransferase 2C; minus strand). Cytogenetic location: 7q36.1.
Variant type: single nucleotide variant.
Coding change: c.13779T>C on transcript NM_170606.3 (MANE Select); coding-DNA position 13779, T replaced by C.
Protein change: p.Asn4593=; no amino-acid change (asparagine 4593 retained).
Molecular consequence: synonymous variant.
Genome position (GRCh38, 1-based): chr7:152,148,148, A>G on the plus strand (T>C on the coding strand, the complement: KMT2C is on the minus strand). VCF-style: chr7-152148148-A-G. GRCh37 (hg19) VCF-style: chr7-151845233-A-G.
Identifiers: ClinVar variation 3048117 (VCV003048117.3), dbSNP rs2091323883, ClinGen allele CA458693006.
Genomic context (GRCh38, chr7:152,148,148, plus strand): 5'-GATGACAAACACTGGGCGCCCATCCTTCTCCTCAATGGAGCACAGGTAGCGGCAGCGCCT[A>G]TTGGCATAGCGAGTGCTCCAGTACAGCCGGCTGGCTTCATAGCCCACAGGGAAGAGTGCT-3'
Protein context (NP_733751.2, residues 4583-4603): SRLYWSTRYA[Asn4593=]RRCRYLCSIE

ClinVar aggregate classification (germline): Uncertain significance. Review status: criteria provided, single submitter (1 of 4 stars). 2 submissions from 2 submitters: Uncertain significance (1). 1 of the submissions does not count toward it. Last evaluated 2026-06-09.

Conditions:
KMT2C-related disorder. Also called: KMT2C-related condition; KMT2C-related disorders.

Submissions (2):

Greenwood Genetic Center Diagnostic Laboratories, Greenwood Genetic Center
Classification: Uncertain significance. Last evaluated: 2026-06-09. Review status: criteria provided, single submitter. Criteria: ACMG Guidelines, 2015. Collection method: clinical testing. Allele origin: germline.
Comment: PM2, BP4

PreventionGenetics, part of Exact Sciences
Classification: Likely benign for KMT2C-related condition. Last evaluated: 2019-12-04. Review status: no assertion criteria provided. Collection method: clinical testing. Allele origin: germline. Not counted in ClinVar's aggregate classification.
Comment: This variant is classified as likely benign based on ACMG/AMP sequence variant interpretation guidelines (Richards et al. 2015 PMID: 25741868, with internal and published modifications).